The following is an entry in ClinVar:

ClinVar aggregate classification (germline): Benign (0 of 4 stars; one submission).

Conditions:
ACTN3-related disorder. Also called: ACTN3-related condition.

Allele frequency attached by ClinVar (database versions not stated): 1000 Genomes Project 0.60024; 1000 Genomes Project 30x 0.60587; ExAC 0.60751; TOPMed 0.61650; gnomAD 0.62541; ESP Exome Variant Server 0.63550.
gnomAD v4.1: 882,982 of 1,586,418 alleles (56%); highest among the groups gnomAD compares: African/African-American, 84%; 251,548 homozygotes.

Submission:

PreventionGenetics, part of Exact Sciences
Classification: Benign for ACTN3-related condition. Last evaluated: 2019-10-21. Review status: no assertion criteria provided. Collection method: clinical testing. Allele origin: germline.
Comment: This variant is classified as benign based on ACMG/AMP sequence variant interpretation guidelines (Richards et al. 2015 PMID: 25741868, with internal and published modifications).

NM_001104.4(ACTN3):c.1882T>C (p.Cys628Arg)

Gene: ACTN3 (actinin alpha 3; plus strand). Cytogenetic location: 11q13.2.
Variant type: single nucleotide variant.
Coding change: c.1882T>C on transcript NM_001104.4 (MANE Select); coding-DNA position 1882, T replaced by C.
Protein change: p.Cys628Arg; replaces cysteine 628 with arginine.
Molecular consequence: missense variant.
Genome position (GRCh38, 1-based): chr11:66,561,248, T>C. VCF-style: chr11-66561248-T-C. GRCh37 (hg19) VCF-style: chr11-66328719-T-C.
Other names: c.2011T>C, p.Cys671Arg (NM_001258371.3); short protein forms C628R, C671R.
Identifiers: ClinVar variation 3059776 (VCV003059776.2), dbSNP rs618838, ClinGen allele CA6124882.